The following is an entry in ClinVar:

ClinVar aggregate classification (germline): Uncertain significance (1 of 4 stars; one submission).

Conditions:
Progressive microcephaly-seizures-cortical blindness-developmental delay syndrome. Also called: Seizures, cortical blindness, and microcephaly syndrome. Identifiers: Orphanet 477814, MedGen C5567650, MONDO:0014714, OMIM 616632.
Autosomal dominant nonsyndromic hearing loss 1. Also called: KONIGSMARK SYNDROME; DEAFNESS, AUTOSOMAL DOMINANT 1, WITH OR WITHOUT THROMBOCYTOPENIA. Identifiers: Orphanet 90635, MedGen C1852282, MONDO:0007424, OMIM 124900.

Submission:

Labcorp Genetics (formerly Invitae), Labcorp
Classification: Uncertain significance for Progressive microcephaly-seizures-cortical blindness-developmental delay syndrome; Autosomal dominant nonsyndromic hearing loss 1. Last evaluated: 2022-10-21. Review status: criteria provided, single submitter. Criteria: Invitae Variant Classification Sherloc (09022015). Collection method: clinical testing. Allele origin: germline.
Comment: In summary, the available evidence is currently insufficient to determine the role of this variant in disease. Therefore, it has been classified as a Variant of Uncertain Significance. Algorithms developed to predict the effect of missense changes on protein structure and function are either unavailable or do not agree on the potential impact of this missense change (SIFT: "Tolerated"; PolyPhen-2: "Not Available"; Align-GVGD: "Class C0"). This variant has not been reported in the literature in individuals affected with DIAPH1-related conditions. This variant is not present in population databases (gnomAD no frequency). This sequence change replaces alanine, which is neutral and non-polar, with glycine, which is neutral and non-polar, at codon 601 of the DIAPH1 protein (p.Ala601Gly).

NM_005219.5(DIAPH1):c.1802C>G (p.Ala601Gly)

Gene: DIAPH1 (diaphanous related formin 1; minus strand). Cytogenetic location: 5q31.3.
Variant type: single nucleotide variant.
Coding change: c.1802C>G on transcript NM_005219.5 (MANE Select); coding-DNA position 1802, C replaced by G.
Protein change: p.Ala601Gly; replaces alanine 601 with glycine.
Molecular consequence: missense variant.
Genome position (GRCh38, 1-based): chr5:141,574,048, G>C on the plus strand (C>G on the coding strand, the complement: DIAPH1 is on the minus strand). VCF-style: chr5-141574048-G-C. GRCh37 (hg19) VCF-style: chr5-140953615-G-C.
Other names: c.1775C>G, p.Ala592Gly (NM_001079812.3); c.1802C>G, p.Ala601Gly (NM_001314007.2); short protein forms A592G, A601G.
Identifiers: ClinVar variation 1719614 (VCV001719614.6), dbSNP rs751447601, ClinGen allele CA361521066.